The following is an entry in ClinVar:

ClinVar aggregate classification (germline): Benign (1 of 4 stars; one submission).

Conditions:
Familial colorectal cancer type X. Identifiers: Orphanet 440437, MedGen C3896578, MONDO:0018604.

Submission:

Myriad Genetics, Inc.
Classification: Benign for Familial colorectal cancer type X. Last evaluated: 2026-08-05. Review status: criteria provided, single submitter. Criteria: Myriad Autosomal Dominant, Autosomal Recessive and X-Linked Classification Criteria (2023). Collection method: clinical testing. Allele origin: unknown.
Comment: This variant is considered benign. This variant occurs in the non-coding 3' untranslated region of the gene, and is not expected to impact protein function.

NM_001146227.3(RPS20):c.*1C>G

Gene: RPS20 (ribosomal protein S20; minus strand). Cytogenetic location: 8q12.1.
Variant type: single nucleotide variant.
Coding change: c.*1C>G on transcript NM_001146227.3; 1 bases downstream of the stop codon, C replaced by G.
Molecular consequence: 3 prime UTR variant.
Genome position (GRCh38, 1-based): chr8:56,069,737, G>C on the plus strand (C>G on the coding strand, the complement: RPS20 is on the minus strand). VCF-style: chr8-56069737-G-C. GRCh37 (hg19) VCF-style: chr8-56982296-G-C.
Identifiers: ClinVar variation 5042407 (VCV005042407.1).